The following is an entry in ClinVar:

ClinVar aggregate classification (germline): Uncertain significance (1 of 4 stars; one submission).

Conditions:
Developmental and epileptic encephalopathy, 50 (DEE50). Also called: Epileptic encephalopathy, early infantile, 50. Identifiers: Orphanet 448010, MedGen C4225320, MONDO:0014647, OMIM 616457.

Submission:

Baylor Genetics
Classification: Uncertain significance for Developmental and epileptic encephalopathy, 50. Last evaluated: 2019-02-20. Review status: criteria provided, single submitter. Criteria: ACMG Guidelines, 2015. Collection method: clinical testing. Allele origin: unknown. Affected: yes.
Comment: This variant was determined to be of uncertain significance according to ACMG Guidelines, 2015 [PMID:25741868].

NM_004341.5(CAD):c.223-2A>G

Gene: CAD (carbamoyl-phosphate synthetase 2, aspartate transcarbamylase, and dihydroorotase; plus strand). Cytogenetic location: 2p23.3.
Variant type: single nucleotide variant.
Coding change: c.223-2A>G on transcript NM_004341.5 (MANE Select); the canonical splice acceptor site of the intron before coding-DNA position 223, A replaced by G.
Molecular consequence: splice acceptor variant.
Genome position (GRCh38, 1-based): chr2:27,221,216, A>G. VCF-style: chr2-27221216-A-G. GRCh37 (hg19) VCF-style: chr2-27444084-A-G.
Other names: c.223-2A>G (NM_001306079.2).
Identifiers: ClinVar variation 1028221 (VCV001028221.1), dbSNP rs1675149924, ClinGen allele CA346197474.